The following is an entry in ClinVar:

ClinVar aggregate classification (germline): Uncertain significance (1 of 4 stars; one submission).

Conditions:
Hereditary cancer-predisposing syndrome. Also called: Tumor predisposition; Hereditary neoplastic syndrome; Hereditary Cancer Syndrome; Neoplastic Syndromes, Hereditary. Identifiers: Orphanet 140162, MedGen C0027672, MeSH D009386, MONDO:0015356.

Submission:

Ambry Genetics
Classification: Uncertain significance for Hereditary cancer-predisposing syndrome. Last evaluated: 2024-01-13. Review status: criteria provided, single submitter. Criteria: Ambry Variant Classification Scheme 2023. Collection method: clinical testing. Allele origin: germline.
Comment: The p.F270C variant (also known as c.809T>G), located in coding exon 3 of the XRCC2 gene, results from a T to G substitution at nucleotide position 809. The phenylalanine at codon 270 is replaced by cysteine, an amino acid with highly dissimilar properties. This amino acid position is conserved. In addition, this alteration is predicted to be deleterious by in silico analysis. Since supporting evidence is limited at this time, the clinical significance of this alteration remains unclear.

NM_005431.2(XRCC2):c.809T>G (p.Phe270Cys)

Gene: XRCC2 (X-ray repair cross complementing 2; minus strand). Cytogenetic location: 7q36.1.
Variant type: single nucleotide variant.
Coding change: c.809T>G on transcript NM_005431.2 (MANE Select); coding-DNA position 809, T replaced by G.
Protein change: p.Phe270Cys; replaces phenylalanine 270 with cysteine.
Molecular consequence: missense variant.
Genome position (GRCh38, 1-based): chr7:152,648,676, A>C on the plus strand (T>G on the coding strand, the complement: XRCC2 is on the minus strand). VCF-style: chr7-152648676-A-C. GRCh37 (hg19) VCF-style: chr7-152345761-A-C.
Other names: short protein forms F270C.
Identifiers: ClinVar variation 3224701 (VCV003224701.1), dbSNP rs2485880186, ClinGen allele CA370197887.